The following is an entry in ClinVar:

ClinVar aggregate classification (germline): Uncertain significance. Review status: criteria provided, multiple submitters, no conflicts (2 of 4 stars). 2 submissions from 2 submitters: Uncertain significance (2). Last evaluated 2026-01-27.

gnomAD v4.1: 9 of 1,612,432 alleles (0.00056%); highest among the groups gnomAD compares: Non-Finnish European, 0.00076%; no homozygotes.

Submissions (2):

Labcorp Genetics (formerly Invitae), Labcorp
Classification: Uncertain significance. Last evaluated: 2026-01-27. Review status: criteria provided, single submitter. Criteria: Invitae Variant Classification Sherloc (09022015). Collection method: clinical testing. Allele origin: germline.
Comment: This sequence change replaces serine, which is neutral and polar, with isoleucine, which is neutral and non-polar, at codon 587 of the IL12RB2 protein (p.Ser587Ile). This variant is not present in population databases (gnomAD no frequency). This variant has not been reported in the literature in individuals affected with IL12RB2-related conditions. An algorithm developed to predict the effect of missense changes on protein structure and function (PolyPhen-2) suggests that this variant is likely to be disruptive. In summary, the available evidence is currently insufficient to determine the role of this variant in disease. Therefore, it has been classified as a Variant of Uncertain Significance.

Ambry Genetics
Classification: Uncertain significance. Last evaluated: 2025-10-07. Review status: criteria provided, single submitter. Criteria: Ambry Variant Classification Scheme 2023. Collection method: clinical testing. Allele origin: germline.

NM_001374259.2(IL12RB2):c.1760G>T (p.Ser587Ile)

Gene: IL12RB2 (interleukin 12 receptor subunit beta 2; plus strand). Cytogenetic location: 1p31.3.
Variant type: single nucleotide variant.
Coding change: c.1760G>T on transcript NM_001374259.2 (MANE Select); coding-DNA position 1760, G replaced by T.
Protein change: p.Ser587Ile; replaces serine 587 with isoleucine.
Molecular consequence: missense variant. On other transcripts: non-coding transcript variant (2).
Genome position (GRCh38, 1-based): chr1:67,380,028, G>T. VCF-style: chr1-67380028-G-T. GRCh37 (hg19) VCF-style: chr1-67845711-G-T.
Other names: c.1760G>T, p.Ser587Ile (NM_001258214.1, NM_001258216.1, NM_001319233.1 and 1 more transcripts); c.1502G>T, p.Ser501Ile (NM_001258215.1); short protein forms S587I, S501I.
Identifiers: ClinVar variation 4678401 (VCV004678401.2).